The following is an entry in ClinVar:

NM_000548.5(TSC2):c.3711G>A (p.Ala1237=)

Gene: TSC2 (TSC complex subunit 2; plus strand). Cytogenetic location: 16p13.3.
Variant type: single nucleotide variant.
Coding change: c.3711G>A on transcript NM_000548.5 (MANE Select); coding-DNA position 3711, G replaced by A.
Protein change: p.Ala1237=; no amino-acid change (alanine 1237 retained).
Molecular consequence: synonymous variant.
Genome position (GRCh38, 1-based): chr16:2,081,695, G>A. VCF-style: chr16-2081695-G-A. GRCh37 (hg19) VCF-style: chr16-2131696-G-A.
Other names: c.3579G>A, p.Ala1193= (NM_001077183.3, NM_001370404.1); c.3711G>A, p.Ala1237= (NM_001114382.3); c.3471G>A, p.Ala1157= (NM_001318827.2); c.3435G>A, p.Ala1145= (NM_001318829.2); c.2979G>A, p.Ala993= (NM_001318831.2); c.3612G>A, p.Ala1204= (NM_001318832.2); c.3582G>A, p.Ala1194= (NM_001363528.2, NM_001370405.1, NM_021055.3); c.3711G>A (NM_000548.4).
Identifiers: ClinVar variation 405971 (VCV000405971.26), dbSNP rs754945653, ClinGen allele CA048144.
Genomic context (GRCh38, chr16:2,081,695, plus strand): 5'-CCCTTTCTCCTCGGACATCAACAACATGCCCCTGCAGGAGCTGTCTAACGCCCTCATGGC[G>A]GCTGAGCGCTTCAAGGAGCACCGGGACACAGCCCTGTACAAGTCACTGTCGGTGCCGGCA-3'
Protein context (NP_000539.2, residues 1227-1247): PLQELSNALM[Ala1237=]AERFKEHRDT

ClinVar aggregate classification (germline): Benign/Likely benign. Review status: criteria provided, multiple submitters, no conflicts (2 of 4 stars). 11 submissions from 11 submitters: Benign (7); Likely benign (4). Last evaluated 2026-06-01.

Conditions:
Tuberous sclerosis 2 (TSC2). Identifiers: Orphanet 805, MedGen C1860707, MONDO:0013199, OMIM 613254.
Isolated focal cortical dysplasia type II (FCORD2). Also called: Focal cortical dysplasia type II; CORTICAL DYSPLASIA OF TAYLOR. Identifiers: Orphanet 268994, MedGen C1846385, MONDO:0011818, OMIM 607341, HP:0032051.
Lymphangiomyomatosis (LAM). Also called: Lymphangioleiomyomatosis, somatic; Lymphangioleiomyomatosis. Identifiers: Orphanet 538, MedGen C0751674, MONDO:0011705, OMIM 606690.
Hereditary cancer-predisposing syndrome. Also called: Neoplastic Syndromes, Hereditary; Hereditary neoplastic syndrome; Tumor predisposition; Hereditary Cancer Syndrome. Identifiers: Orphanet 140162, MedGen C0027672, MeSH D009386, MONDO:0015356.
Tuberous sclerosis syndrome (TSC). Also called: Tuberous Sclerosis Complex; Tuberous sclerosis. Identifiers: Orphanet 805, MedGen C0041341, MONDO:0001734.

Allele frequency attached by ClinVar (database versions not stated): gnomAD 0.00001 and 0.00002; TOPMed 0.00002; ExAC 0.00006; gnomAD exomes 0.00008.
gnomAD v4.1: 74 of 1,612,824 alleles (0.0046%); highest among the groups gnomAD compares: South Asian, 0.047%; no homozygotes.

Submissions (11):

CeGaT Center for Human Genetics Tuebingen
Classification: Likely benign. Last evaluated: 2026-06-01. Review status: criteria provided, single submitter. Criteria: CeGaT Center For Human Genetics Tuebingen Variant Classification Criteria Version 2. Collection method: clinical testing. Allele origin: germline. Affected: yes. Observed: 2 variant alleles.
Comment: TSC2: BP4, BP7

Labcorp Genetics (formerly Invitae), Labcorp
Classification: Benign for Tuberous sclerosis 2. Last evaluated: 2026-01-10. Review status: criteria provided, single submitter. Criteria: Invitae Variant Classification Sherloc (09022015). Collection method: clinical testing. Allele origin: germline.

Myriad Genetics, Inc.
Classification: Benign for Tuberous sclerosis 2. Last evaluated: 2025-05-30. Review status: criteria provided, single submitter. Criteria: Myriad Autosomal Dominant, Autosomal Recessive and X-Linked Classification Criteria (2023). Collection method: clinical testing. Allele origin: unknown.
Comment: This variant is considered benign. This variant is a silent/synonymous amino acid change and it is not expected to impact splicing.

All of Us Research Program, National Institutes of Health
Classification: Benign for Tuberous sclerosis syndrome. Last evaluated: 2024-01-11. Review status: criteria provided, single submitter. Criteria: ACMG Guidelines, 2015. Collection method: clinical testing. Allele origin: germline. Inheritance: Autosomal dominant inheritance. Observed: 9 variant alleles, 9 heterozygotes.
Comment: This study involves interpretation of variants in research participants for the purpose of population health screening. Participant phenotype was not available at the time of variant classification. Additional details can be found in publication PMID: 35346344, PMCID: PMC8962531

Women's Health and Genetics/Laboratory Corporation of America, LabCorp
Classification: Benign. Last evaluated: 2023-09-10. Review status: criteria provided, single submitter. Criteria: LabCorp Variant Classification Summary - May 2015. Collection method: clinical testing. Allele origin: germline.

Color Diagnostics, LLC DBA Color Health
Classification: Benign for Tuberous sclerosis syndrome. Last evaluated: 2022-10-03. Review status: criteria provided, single submitter. Criteria: ACMG Guidelines, 2015. Collection method: clinical testing. Allele origin: germline.

Fulgent Genetics
Classification: Likely benign for Lymphangiomyomatosis; Isolated focal cortical dysplasia type II; Tuberous sclerosis 2. Last evaluated: 2022-05-26. Review status: criteria provided, single submitter. Criteria: ACMG Guidelines, 2015. Collection method: clinical testing. Allele origin: unknown.

Genome-Nilou Lab
Classification: Benign for Tuberous sclerosis 2. Last evaluated: 2021-11-07. Review status: criteria provided, single submitter. Criteria: ACMG Guidelines, 2015. Collection method: clinical testing. Allele origin: germline. Affected: no.

GeneDx
Classification: Likely benign. Last evaluated: 2021-03-08. Review status: criteria provided, single submitter. Criteria: GeneDx Variant Classification Process June 2021. Collection method: clinical testing. Allele origin: germline. Affected: yes.

Sema4
Classification: Benign for Hereditary cancer-predisposing syndrome. Last evaluated: 2021-02-17. Review status: criteria provided, single submitter. Criteria: Sema4 Curation Guidelines. Collection method: curation. Allele origin: germline.

Ambry Genetics
Classification: Likely benign for Hereditary cancer-predisposing syndrome. Last evaluated: 2015-10-05. Review status: criteria provided, single submitter. Criteria: Ambry Variant Classification Scheme 2023. Collection method: clinical testing. Allele origin: germline.